The following is an entry in ClinVar:

NM_004370.6(COL12A1):c.1081G>A (p.Val361Met)

Gene: COL12A1 (collagen type XII alpha 1 chain; minus strand). Cytogenetic location: 6q13.
Variant type: single nucleotide variant.
Coding change: c.1081G>A on transcript NM_004370.6 (MANE Select); coding-DNA position 1081, G replaced by A.
Protein change: p.Val361Met; replaces valine 361 with methionine.
Molecular consequence: missense variant. On other transcripts: intron variant (1).
Genome position (GRCh38, 1-based): chr6:75,184,061, C>T on the plus strand (G>A on the coding strand, the complement: COL12A1 is on the minus strand). VCF-style: chr6-75184061-C-T. GRCh37 (hg19) VCF-style: chr6-75893777-C-T.
Other names: c.73+18659G>A (NM_080645.3); short protein forms V361M.
Identifiers: ClinVar variation 1508013 (VCV001508013.6), dbSNP rs2149467444, ClinGen allele CA364773762.

ClinVar aggregate classification (germline): Uncertain significance (1 of 4 stars; one submission).

Conditions:
Ullrich congenital muscular dystrophy 2 (UCMD2). Identifiers: Orphanet 75840, MedGen C4225314, MONDO:0014654, OMIM 616470.
Bethlem myopathy 2 (BTHLM2). Identifiers: Orphanet 536516, Orphanet 610, MedGen C4225313, MONDO:0034022, OMIM 616471.

Submission:

Labcorp Genetics (formerly Invitae), Labcorp
Classification: Uncertain significance for Bethlem myopathy 2; Ullrich congenital muscular dystrophy 2. Last evaluated: 2023-03-13. Review status: criteria provided, single submitter. Criteria: Invitae Variant Classification Sherloc (09022015). Collection method: clinical testing. Allele origin: germline.
Comment: ClinVar contains an entry for this variant (Variation ID: 1508013). This variant has not been reported in the literature in individuals affected with COL12A1-related conditions. This variant is not present in population databases (gnomAD no frequency). This sequence change replaces valine, which is neutral and non-polar, with methionine, which is neutral and non-polar, at codon 361 of the COL12A1 protein (p.Val361Met). Advanced modeling of protein sequence and biophysical properties (such as structural, functional, and spatial information, amino acid conservation, physicochemical variation, residue mobility, and thermodynamic stability) performed at Invitae indicates that this missense variant is not expected to disrupt COL12A1 protein function. In summary, the available evidence is currently insufficient to determine the role of this variant in disease. Therefore, it has been classified as a Variant of Uncertain Significance.